The following is an entry in ClinVar:

NM_080424.4(SP110):c.1279+1G>T

Gene: SP110 (SP110 nuclear body protein; minus strand). Cytogenetic location: 2q37.1.
Variant type: single nucleotide variant.
Coding change: c.1279+1G>T on transcript NM_080424.4 (MANE Select); the canonical splice donor site of the intron after coding-DNA position 1279, G replaced by T.
Molecular consequence: splice donor variant.
Genome position (GRCh38, 1-based): chr2:230,185,993, C>A on the plus strand (G>T on the coding strand, the complement: SP110 is on the minus strand). VCF-style: chr2-230185993-C-A. GRCh37 (hg19) VCF-style: chr2-231050709-C-A.
Other names: c.1297+1G>T (NM_001378446.1, NM_001378445.1, NM_001378442.1 and 2 more transcripts); c.1279+1G>T (NM_004509.5, NM_001378443.1, NM_004510.4); c.1129+1G>T (NM_001378447.1).
Identifiers: ClinVar variation 4691593 (VCV004691593.1).

ClinVar aggregate classification (germline): Likely pathogenic (1 of 4 stars; one submission).

Conditions:
Hepatic veno-occlusive disease-immunodeficiency syndrome. Also called: Hepatic Veno-Occlusive Disease with Immunodeficiency. Identifiers: Orphanet 79124, MedGen C1856128, MONDO:0009338, OMIM 235550. Disease mechanism: loss of function.

gnomAD v4.1: 3 of 1,613,810 alleles (0.00019%); highest among the groups gnomAD compares: African/African-American, 0.004%; no homozygotes.

Submission:

Labcorp Genetics (formerly Invitae), Labcorp
Classification: Likely pathogenic for Hepatic veno-occlusive disease-immunodeficiency syndrome. Last evaluated: 2025-10-07. Review status: criteria provided, single submitter. Criteria: Invitae Variant Classification Sherloc (09022015). Collection method: clinical testing. Allele origin: germline.
Comment: This sequence change affects a donor splice site in intron 11 of the SP110 gene. It is expected to disrupt RNA splicing. Variants that disrupt the donor or acceptor splice site typically lead to a loss of protein function (PMID: 16199547), and loss-of-function variants in SP110 are known to be pathogenic (PMID: 16648851, 22621957). This variant is present in population databases (rs372144903, gnomAD 0.008%). This variant has not been reported in the literature in individuals affected with SP110-related conditions. Algorithms developed to predict the effect of sequence changes on RNA splicing suggest that this variant may disrupt the consensus splice site. In summary, the currently available evidence indicates that the variant is pathogenic, but additional data are needed to prove that conclusively. Therefore, this variant has been classified as Likely Pathogenic.

Literature cited by the submitters: PubMed 16199547; PubMed 16648851; PubMed 22621957.